The following is an entry in ClinVar:

ClinVar aggregate classification (germline): Uncertain significance (1 of 4 stars; one submission).

Conditions:
Schwartz-Jampel syndrome type 1 (SJS1). Also called: MYOTONIC MYOPATHY, DWARFISM, CHONDRODYSTROPHY, AND OCULAR AND FACIAL ABNORMALITIES; CHONDRODYSTROPHIC MYOTONIA. Identifiers: MedGen C4551479, MONDO:0100435, OMIM 255800.
Lethal Kniest-like syndrome (DDSH). Also called: Dyssegmental Dysplasia. Identifiers: Orphanet 1865, MedGen C1857100, MONDO:0009140, OMIM 224410.

Submission:

Juno Genomics, Hangzhou Juno Genomics, Inc
Classification: Uncertain significance for Lethal Kniest-like syndrome; Schwartz-Jampel syndrome type 1. Review status: criteria provided, single submitter. Criteria: ACMG Guidelines, 2015. Collection method: clinical testing. Allele origin: germline.
Comment: Absent from controls (or at extremely low frequency if recessive) in Genome Aggregation Database.;Missense variant in a gene that has a low rate of benign missense variation.

NM_005529.7(HSPG2):c.7373G>A (p.Cys2458Tyr)

Gene: HSPG2 (heparan sulfate proteoglycan 2; minus strand). Cytogenetic location: 1p36.12.
Variant type: single nucleotide variant.
Coding change: c.7373G>A on transcript NM_005529.7 (MANE Select); coding-DNA position 7373, G replaced by A.
Protein change: p.Cys2458Tyr; replaces cysteine 2458 with tyrosine.
Molecular consequence: missense variant.
Genome position (GRCh38, 1-based): chr1:21,850,114, C>T on the plus strand (G>A on the coding strand, the complement: HSPG2 is on the minus strand). VCF-style: chr1-21850114-C-T. GRCh37 (hg19) VCF-style: chr1-22176607-C-T.
Other names: c.7376G>A, p.Cys2459Tyr (NM_001291860.2); short protein forms C2458Y, C2459Y.
Identifiers: ClinVar variation 5006055 (VCV005006055.2).